The following is an entry in ClinVar:

ClinVar aggregate classification (germline): Uncertain significance. Review status: criteria provided, multiple submitters, no conflicts (2 of 4 stars). 3 submissions from 3 submitters: Uncertain significance (2). 1 of the submissions does not count toward it. Last evaluated 2025-08-11.

Conditions:
Abetalipoproteinaemia (ABL). Also called: Abetalipoproteinemia; MTP DEFICIENCY; Abetalipoproteinemia neuropathy; Apolipoprotein B deficiency; Congenital betalipoprotein deficiency syndrome. Identifiers: Orphanet 14, MedGen C0000744, MONDO:0008692, OMIM 200100, HP:0008181.

Allele frequency attached by ClinVar (database versions not stated): gnomAD exomes 0.00005 and 0.00010; ExAC 0.00006; TOPMed 0.00006; ESP Exome Variant Server 0.00008; gnomAD 0.00008.
gnomAD v4.1: 161 of 1,613,954 alleles (0.01%); highest among the groups gnomAD compares: Non-Finnish European, 0.013%; no homozygotes.

Submissions (3):

Labcorp Genetics (formerly Invitae), Labcorp
Classification: Uncertain significance. Last evaluated: 2025-08-11. Review status: criteria provided, single submitter. Criteria: Invitae Variant Classification Sherloc (09022015). Collection method: clinical testing. Allele origin: germline.
Comment: This sequence change replaces methionine, which is neutral and non-polar, with threonine, which is neutral and polar, at codon 268 of the MTTP protein (p.Met268Thr). This variant is present in population databases (rs146513720, gnomAD 0.01%). This variant has not been reported in the literature in individuals affected with MTTP-related conditions. ClinVar contains an entry for this variant (Variation ID: 839075). Invitae Evidence Modeling of protein sequence and biophysical properties (such as structural, functional, and spatial information, amino acid conservation, physicochemical variation, residue mobility, and thermodynamic stability) indicates that this missense variant is not expected to disrupt MTTP protein function with a negative predictive value of 80%. In summary, the available evidence is currently insufficient to determine the role of this variant in disease. Therefore, it has been classified as a Variant of Uncertain Significance.

Mayo Clinic Laboratories, Mayo Clinic
Classification: Uncertain significance. Last evaluated: 2023-04-20. Review status: criteria provided, single submitter. Criteria: ACMG Guidelines, 2015. Collection method: clinical testing. Allele origin: germline. Observed: 1 variant allele.
Comment: BP4, PM2

Natera, Inc.
Classification: Uncertain significance for Abetalipoproteinemia. Last evaluated: 2020-09-10. Review status: no assertion criteria provided. Collection method: clinical testing. Allele origin: germline. Not counted in ClinVar's aggregate classification.

NM_001386140.1(MTTP):c.803T>C (p.Met268Thr)

Gene: MTTP (microsomal triglyceride transfer protein; plus strand). Cytogenetic location: 4q23.
Variant type: single nucleotide variant.
Coding change: c.803T>C on transcript NM_001386140.1 (MANE Select); coding-DNA position 803, T replaced by C.
Protein change: p.Met268Thr; replaces methionine 268 with threonine.
Molecular consequence: missense variant.
Genome position (GRCh38, 1-based): chr4:99,594,777, T>C. VCF-style: chr4-99594777-T-C. GRCh37 (hg19) VCF-style: chr4-100515934-T-C.
Other names: p.Met268Thr; c.803T>C, p.Met268Thr (NM_000253.4); c.554T>C, p.Met185Thr (NM_001300785.2); short protein forms M268T, M185T.
Identifiers: ClinVar variation 839075 (VCV000839075.5), dbSNP rs146513720, ClinGen allele CA3021954.